The following is an entry in ClinVar:

ClinVar aggregate classification (germline): Pathogenic (1 of 4 stars; one submission).

Conditions:
Cardiovascular phenotype. Identifiers: MedGen CN230736.
Hereditary cancer-predisposing syndrome. Also called: Neoplastic Syndromes, Hereditary; Tumor predisposition; Hereditary Cancer Syndrome; Hereditary neoplastic syndrome. Identifiers: Orphanet 140162, MedGen C0027672, MeSH D009386, MONDO:0015356.

Submission:

Ambry Genetics
Classification: Pathogenic for Cardiovascular phenotype; Hereditary cancer-predisposing syndrome. Last evaluated: 2025-10-14. Review status: criteria provided, single submitter. Criteria: Ambry Variant Classification Scheme 2023. Collection method: clinical testing. Allele origin: germline.
Comment: The c.300dupG pathogenic mutation, located in coding exon 3 of the LZTR1 gene, results from a duplication of G at nucleotide position 300, causing a translational frameshift with a predicted alternate stop codon (p.K101Efs*45). This variant is considered to be rare based on population cohorts in the Genome Aggregation Database (gnomAD). This alteration is expected to result in loss of function by premature protein truncation or nonsense-mediated mRNA decay. Loss-of-function variants in LZTR1 are related to an increased risk for schwannomas and autosomal recessive Noonan syndrome; however, such associations with autosomal dominant Noonan syndrome have not been observed (Piotrowski A et al. Nat Genet. 2014 Feb;46:182-7; Yamamoto GL et al. J Med Genet. 2015 Jun;52:413-21; Johnston JJ et al. Genet Med. 2018 10;20:1175-1185). Based on the supporting evidence, this variant is pathogenic for an increased risk of LZTR1-related schwannomatosis (SWN) and would be expected to cause autosomal recessive Noonan syndrome when present along with a second pathogenic or likely pathogenic variant on the other allele; however, the association of this alteration with autosomal dominant Noonan syndrome is unlikely.

NM_006767.4(LZTR1):c.300dup (p.Lys101fs)

Gene: LZTR1 (leucine zipper like post translational regulator 1; plus strand). Cytogenetic location: 22q11.21.
Variant type: Duplication.
Coding change: c.300dup on transcript NM_006767.4 (MANE Select); coding-DNA position 300, one base duplicated (G; older notation c.300dupG).
Protein change: p.Lys101fs; shifts the reading frame from lysine 101.
Molecular consequence: frameshift variant.
Genome position (GRCh38, 1-based): chr22:20,985,877, G duplicated. VCF-style (leftmost placement, unchanged base first): chr22-20985876-T-TG. GRCh37 (hg19) VCF-style: chr22-21340165-T-TG.
Other names: short protein forms K101fs.
Identifiers: ClinVar variation 4615620 (VCV004615620.1).
Genomic context (GRCh38, chr22:20,985,876, plus strand): 5'-ACCCTCTCTTCCGGCTGCCTTTCAGGAAGACCATGCTCAATGACCTCCTGCGGTTCGATG[T>TG]GAAAGACTGCTCCTGGTGCAGGTGGGTGGCCCCGTGCTCCAGGGCCCTGCCTTTCCTCCT-3'